The following is an entry in ClinVar:

NM_007294.4(BRCA1):c.5554_5560del (p.Asp1851_Thr1852insTer)

Gene: BRCA1 (BRCA1 DNA repair associated; minus strand). Cytogenetic location: 17q21.31.
Variant type: Deletion.
Coding change: c.5554_5560del on transcript NM_007294.4 (MANE Select); coding-DNA positions 5554 to 5560, 7 bases deleted (ACCTACC; older notation c.5554_5560delACCTACC).
Protein change: p.Asp1851_Thr1852insTer.
Molecular consequence: nonsense. On other transcripts: 3 prime UTR variant (17), frameshift variant (1).
Genome position (GRCh38, 1-based): chr17:43,045,710-43,045,716, GGTAGGT deleted on the plus strand (ACCTACC on the coding strand, the reverse complement: BRCA1 is on the minus strand); deleting any 7 consecutive bases within chr17:43,045,710-43,045,717 gives the same sequence; the c. name uses the placement nearest the transcript's 3' end. VCF-style (leftmost placement, unchanged base first): chr17-43045709-AGGTAGGT-A. GRCh37 (hg19) VCF-style: chr17-41197726-AGGTAGGT-A.
Other names: c.5344_5350del, p.Asp1781_Thr1782insTer (NM_001407879.1, NM_001407881.1, NM_001407882.1 and 5 more transcripts); c.5341_5347del, p.Asp1780_Thr1781insTer (NM_001407894.1, NM_001407895.1, NM_001407896.1 and 12 more transcripts); c.5338_5344del, p.Asp1779_Thr1780insTer (NM_001407915.1, NM_001407916.1, NM_001407917.1 and 1 more transcripts); c.5287_5293del, p.Asp1762_Thr1763insTer (NM_001407933.1, NM_001407927.1, NM_001407928.1 and 4 more transcripts); c.5284_5290del, p.Asp1761_Thr1762insTer (NM_001407934.1, NM_001407935.1, NM_001407936.1); c.*68_*74del (NM_001407937.1, NM_001407938.1, NM_001407939.1 and 14 more transcripts); c.5221_5227del, p.Asp1740_Thr1741insTer (NM_001407946.1, NM_001407947.1, NM_001407948.1 and 1 more transcripts); c.5218_5224del, p.Asp1739_Thr1740insTer (NM_001407950.1, NM_001407951.1, NM_001407952.1 and 3 more transcripts); and 75 more.
Identifiers: ClinVar variation 2573261 (VCV002573261.1), dbSNP rs2545873293, ClinGen allele CA2580612614.

ClinVar aggregate classification (germline): Pathogenic (1 of 4 stars; one submission).

Conditions:
Breast-ovarian cancer, familial, susceptibility to, 1 (BROVCA1). Also called: BRCA1 Hereditary Breast and Ovarian Cancer; OVARIAN CANCER, SUSCEPTIBILITY TO. Identifiers: Orphanet 145, MedGen C2676676, MONDO:0011450, OMIM 604370. Disease mechanism: loss of function.

Submission:

Myriad Genetics, Inc.
Classification: Pathogenic for Breast-ovarian cancer, familial, susceptibility to, 1. Last evaluated: 2023-02-15. Review status: criteria provided, single submitter. Criteria: Myriad Autosomal Dominant, Autosomal Recessive and X-Linked Classification Criteria (2023). Collection method: clinical testing. Allele origin: unknown.
Comment: This variant is considered pathogenic. This variant creates a termination codon and is predicted to result in premature protein truncation.